The following is an entry in ClinVar:

NM_032242.4(PLXNA1):c.3428C>T (p.Ser1143Phe)

Gene: PLXNA1 (plexin A1; plus strand). Cytogenetic location: 3q21.3.
Variant type: single nucleotide variant.
Coding change: c.3428C>T on transcript NM_032242.4 (MANE Select); coding-DNA position 3428, C replaced by T.
Protein change: p.Ser1143Phe; replaces serine 1143 with phenylalanine.
Molecular consequence: missense variant.
Genome position (GRCh38, 1-based): chr3:127,017,576, C>T. VCF-style: chr3-127017576-C-T. GRCh37 (hg19) VCF-style: chr3-126736419-C-T.
Other names: short protein forms S1143F.
Identifiers: ClinVar variation 3349509 (VCV003349509.1).

ClinVar aggregate classification (germline): Uncertain significance (0 of 4 stars; one submission).

Conditions:
PLXNA1-related disorder. Also called: PLXNA1-related condition.

gnomAD v4.1: 18 of 1,613,816 alleles (0.0011%); highest among the groups gnomAD compares: South Asian, 0.0022%; no homozygotes.

Submission:

PreventionGenetics, part of Exact Sciences
Classification: Uncertain significance for PLXNA1-related condition. Last evaluated: 2024-03-05. Review status: no assertion criteria provided. Collection method: clinical testing. Allele origin: germline.
Comment: The PLXNA1 c.3428C>T variant is predicted to result in the amino acid substitution p.Ser1143Phe. To our knowledge, this variant has not been reported in the literature. This variant is reported in 0.0018% of alleles in individuals of European (Non-Finnish) descent in gnomAD. At this time, the clinical significance of this variant is uncertain due to the absence of conclusive functional and genetic evidence.